The following is an entry in ClinVar:

NM_001384732.1(CPLANE1):c.9754T>G (p.Ter3252Glu)

Gene: CPLANE1 (ciliogenesis and planar polarity effector complex subunit 1; minus strand). Cytogenetic location: 5p13.2.
Variant type: single nucleotide variant.
Coding change: c.9754T>G on transcript NM_001384732.1 (MANE Select); coding-DNA position 9754, T replaced by G.
Protein change: p.Ter3252Glu.
Molecular consequence: stop lost.
Genome position (GRCh38, 1-based): chr5:37,107,604, A>C on the plus strand (T>G on the coding strand, the complement: CPLANE1 is on the minus strand). VCF-style: chr5-37107604-A-C. GRCh37 (hg19) VCF-style: chr5-37107706-A-C.
Other names: c.9592T>G, p.Ter3198Glu (NM_023073.4).
Identifiers: ClinVar variation 1401135 (VCV001401135.5), dbSNP rs1267447258, ClinGen allele CA359487784.

ClinVar aggregate classification (germline): Uncertain significance (1 of 4 stars; one submission).

gnomAD v4.1: 1 of 1,605,854 alleles (0.000062%); highest among the groups gnomAD compares: African/African-American, 0.0013%; no homozygotes.

Submission:

Labcorp Genetics (formerly Invitae), Labcorp
Classification: Uncertain significance. Last evaluated: 2022-02-10. Review status: criteria provided, single submitter. Criteria: Invitae Variant Classification Sherloc (09022015). Collection method: clinical testing. Allele origin: germline.
Comment: This sequence change disrupts the translational stop signal of the CPLANE1 mRNA. It is expected to extend the length of the CPLANE1 protein by 22 additional amino acid residues. This variant is not present in population databases (gnomAD no frequency). This variant has not been reported in the literature in individuals affected with CPLANE1-related conditions. Experimental studies and prediction algorithms are not available or were not evaluated, and the functional significance of this variant is currently unknown. In summary, the available evidence is currently insufficient to determine the role of this variant in disease. Therefore, it has been classified as a Variant of Uncertain Significance.